The following is an entry in ClinVar:

NM_020719.3(PRR12):c.4138T>C (p.Phe1380Leu)

Gene: PRR12 (proline rich 12; plus strand). Cytogenetic location: 19q13.33.
Variant type: single nucleotide variant.
Coding change: c.4138T>C on transcript NM_020719.3 (MANE Select); coding-DNA position 4138, T replaced by C.
Protein change: p.Phe1380Leu; replaces phenylalanine 1380 with leucine.
Molecular consequence: missense variant.
Genome position (GRCh38, 1-based): chr19:49,599,731, T>C. VCF-style: chr19-49599731-T-C. GRCh37 (hg19) VCF-style: chr19-50102988-T-C.
Other names: short protein forms F1380L.
Identifiers: ClinVar variation 4976005 (VCV004976005.1).

ClinVar aggregate classification (germline): Uncertain significance (1 of 4 stars; one submission).

Submission:

GeneDx
Classification: Uncertain significance. Last evaluated: 2026-02-04. Review status: criteria provided, single submitter. Criteria: GeneDx Variant Classification Process June 2021. Collection method: clinical testing. Allele origin: germline.
Comment: Not observed at significant frequency in large population cohorts (gnomAD); In silico analysis supports that this missense variant has a deleterious effect on protein structure/function; Has not been previously published as pathogenic or benign to our knowledge